The following is an entry in ClinVar:

NM_001037.5(SCN1B):c.192T>C (p.Thr64=)

Gene: SCN1B (sodium voltage-gated channel beta subunit 1; plus strand). Cytogenetic location: 19q13.11.
Variant type: single nucleotide variant.
Coding change: c.192T>C on transcript NM_001037.5 (MANE Select); coding-DNA position 192, T replaced by C.
Protein change: p.Thr64=; no amino-acid change (threonine 64 retained).
Molecular consequence: synonymous variant.
Genome position (GRCh38, 1-based): chr19:35,032,679, T>C. VCF-style: chr19-35032679-T-C. GRCh37 (hg19) VCF-style: chr19-35523583-T-C.
Other names: c.93T>C, p.Thr31= (NM_001321605.2); c.192T>C, p.Thr64= (NM_199037.5).
Identifiers: ClinVar variation 387545 (VCV000387545.1), dbSNP rs1057522819, ClinGen allele CA16608115.

ClinVar aggregate classification (germline): Likely benign (1 of 4 stars; one submission).

Submission:

GeneDx
Classification: Likely benign. Last evaluated: 2016-07-12. Review status: criteria provided, single submitter. Criteria: GeneDx Variant Classification (06012015). Collection method: clinical testing. Allele origin: germline. Affected: yes.
Comment: This variant is considered likely benign or benign based on one or more of the following criteria: it is a conservative change, it occurs at a poorly conserved position in the protein, it is predicted to be benign by multiple in silico algorithms, and/or has population frequency not consistent with disease.